The following is an entry in ClinVar:

NM_001454.4(FOXJ1):c.384G>C (p.Thr128=)

Gene: FOXJ1 (forkhead box J1; minus strand). Cytogenetic location: 17q25.1.
Variant type: single nucleotide variant.
Coding change: c.384G>C on transcript NM_001454.4 (MANE Select); coding-DNA position 384, G replaced by C.
Protein change: p.Thr128=; no amino-acid change (threonine 128 retained).
Molecular consequence: synonymous variant.
Genome position (GRCh38, 1-based): chr17:76,140,012, C>G on the plus strand (G>C on the coding strand, the complement: FOXJ1 is on the minus strand). VCF-style: chr17-76140012-C-G. GRCh37 (hg19) VCF-style: chr17-74136093-C-G.
Other names: p.Thr128=.
Identifiers: ClinVar variation 4684252 (VCV004684252.1).

ClinVar aggregate classification (germline): Likely benign (1 of 4 stars; one submission).

Submission:

Mayo Clinic Laboratories, Mayo Clinic
Classification: Likely benign. Last evaluated: 2025-11-27. Review status: criteria provided, single submitter. Criteria: ACMG Guidelines, 2015. Collection method: clinical testing. Allele origin: germline. Observed: 1 variant allele.
Comment: BP4, BP7, PM2_supporting